The following is an entry in ClinVar:

ClinVar aggregate classification (germline): Benign (1 of 4 stars; one submission).

Conditions:
Birt-Hogg-Dube syndrome 1 (BHD1). Also called: FIBROFOLLICULOMAS WITH TRICHODISCOMAS AND ACROCHORDONS. Identifiers: Orphanet 122, MedGen CN375946, MONDO:0800445, OMIM 135150.

gnomAD v4.1: 1 of 1,613,920 alleles (0.000062%); highest among the groups gnomAD compares: Non-Finnish European, 0.000085%; no homozygotes.

Submission:

Myriad Genetics, Inc.
Classification: Benign for Birt-Hogg-Dube syndrome 1. Last evaluated: 2024-10-23. Review status: criteria provided, single submitter. Criteria: Myriad Autosomal Dominant, Autosomal Recessive and X-Linked Classification Criteria (2023). Collection method: clinical testing. Allele origin: unknown.
Comment: This variant is considered benign. This variant is a silent/synonymous amino acid change and it is not expected to impact splicing.

NM_144997.7(FLCN):c.1017G>A (p.Gln339=)

Gene: FLCN (folliculin; minus strand). Cytogenetic location: 17p11.2.
Variant type: single nucleotide variant.
Coding change: c.1017G>A on transcript NM_144997.7 (MANE Select); coding-DNA position 1017, G replaced by A.
Protein change: p.Gln339=; no amino-acid change (glutamine 339 retained).
Molecular consequence: synonymous variant.
Genome position (GRCh38, 1-based): chr17:17,219,064, C>T on the plus strand (G>A on the coding strand, the complement: FLCN is on the minus strand). VCF-style: chr17-17219064-C-T. GRCh37 (hg19) VCF-style: chr17-17122378-C-T.
Other names: c.1071G>A, p.Gln357= (NM_001353229.2); c.1017G>A, p.Gln339= (NM_001353230.2, NM_001353231.2).
Identifiers: ClinVar variation 3773458 (VCV003773458.1).
Genomic context (GRCh38, chr17:17,219,064, plus strand): 5'-GCCCCTGCCGCCTACCTGCCTCATGTGCCGGAGGGACTTGAAGACTGGCAGCTTCCGGGG[C>T]TGCCAGCTCCCACAGCCTGAGAGAGAGGAGGACTCTGCCGGGCCCTGGGTCAGCTCCCGC-3'
Protein context (NP_659434.2, residues 329-349): SSSLSGCGSW[Gln339=]PRKLPVFKSL